The following is an entry in ClinVar:

ClinVar aggregate classification (germline): Uncertain significance (1 of 4 stars; one submission).

Conditions:
Inborn genetic diseases. Identifiers: MedGen C0950123, MeSH D030342.

Submission:

Ambry Genetics
Classification: Uncertain significance for Inborn genetic diseases. Last evaluated: 2025-01-25. Review status: criteria provided, single submitter. Criteria: Ambry Variant Classification Scheme 2023. Collection method: clinical testing. Allele origin: germline.
Comment: The p.Q225K variant (also known as c.673C>A), located in coding exon 6 of the USB1 gene, results from a C to A substitution at nucleotide position 673. The glutamine at codon 225 is replaced by lysine, an amino acid with similar properties. This amino acid position is conserved. In addition, this alteration is predicted to be tolerated by in silico analysis. Based on the available evidence, the clinical significance of this variant remains unclear.

NM_024598.4(USB1):c.673C>A (p.Gln225Lys)

Gene: USB1 (U6 snRNA biogenesis phosphodiesterase 1; plus strand). Cytogenetic location: 16q21.
Variant type: single nucleotide variant.
Coding change: c.673C>A on transcript NM_024598.4 (MANE Select); coding-DNA position 673, C replaced by A.
Protein change: p.Gln225Lys; replaces glutamine 225 with lysine.
Molecular consequence: missense variant.
Genome position (GRCh38, 1-based): chr16:58,019,035, C>A. VCF-style: chr16-58019035-C-A. GRCh37 (hg19) VCF-style: chr16-58052939-C-A.
Other names: c.619C>A, p.Gln207Lys (NM_001195302.2); c.520C>A, p.Gln174Lys (NM_001330568.2); short protein forms Q174K, Q207K, Q225K.
Identifiers: ClinVar variation 3813884 (VCV003813884.1).
Genomic context (GRCh38, chr16:58,019,035, plus strand): 5'-CCTTCTTTCCACCTCAGCCTGGCCTGGTGTGTGGGTGATGCACGTCTCCAGCTGGAGGGG[C>A]AGTGCCTGCAGGAACTACAGGTGAATTTCCAGGGCGGGAGCACAGAGGGCGCTGAACTCC-3'
Protein context (NP_078874.2, residues 215-235): VGDARLQLEG[Gln225Lys]CLQELQAIVD